The following is an entry in ClinVar:

NM_001365088.1(SLC12A6):c.3223C>T (p.Arg1075Cys)

Gene: SLC12A6 (solute carrier family 12 member 6; minus strand). Cytogenetic location: 15q14.
Variant type: single nucleotide variant.
Coding change: c.3223C>T on transcript NM_001365088.1 (MANE Select); coding-DNA position 3223, C replaced by T.
Protein change: p.Arg1075Cys; replaces arginine 1075 with cysteine.
Molecular consequence: missense variant.
Genome position (GRCh38, 1-based): chr15:34,236,019, G>A on the plus strand (C>T on the coding strand, the complement: SLC12A6 is on the minus strand). VCF-style: chr15-34236019-G-A. GRCh37 (hg19) VCF-style: chr15-34528220-G-A.
Other names: c.3046C>T, p.Arg1016Cys (NM_001042494.2, NM_001042495.2); c.3196C>T, p.Arg1066Cys (NM_001042496.2); c.3178C>T, p.Arg1060Cys (NM_001042497.2); c.3070C>T, p.Arg1024Cys (NM_005135.2); c.3223C>T, p.Arg1075Cys (NM_133647.2); short protein forms R1016C, R1024C, R1060C, R1066C, R1075C.
Identifiers: ClinVar variation 4061492 (VCV004061492.3).

ClinVar aggregate classification (germline): Uncertain significance. Review status: criteria provided, multiple submitters, no conflicts (2 of 4 stars). 3 submissions from 3 submitters: Uncertain significance (2). 1 of the submissions does not count toward it. Last evaluated 2025-08-19.

Conditions:
Inborn genetic diseases. Identifiers: MedGen C0950123, MeSH D030342.
Agenesis of the corpus callosum with peripheral neuropathy (ACCPN). Also called: CHARLEVOIX DISEASE; POLYNEUROPATHY, SENSORIMOTOR, WITH OR WITHOUT AGENESIS OF THE CORPUS CALLOSUM; HMSN/ACC; Hereditary Motor and Sensory Neuropathy with Agenesis of the Corpus Callosum. Identifiers: Orphanet 1496, MedGen C0795950, MONDO:0000902, OMIM 218000. Disease mechanism: loss of function.

gnomAD v4.1: 4 of 1,612,314 alleles (0.00025%); highest among the groups gnomAD compares: East Asian, 0.0022%; no homozygotes.

Submissions (3):

Ambry Genetics
Classification: Uncertain significance for Inborn genetic diseases. Last evaluated: 2025-08-19. Review status: criteria provided, single submitter. Criteria: Ambry Variant Classification Scheme 2023. Collection method: clinical testing. Allele origin: germline.
Comment: The p.R1075C variant (also known as c.3223C>T), located in coding exon 23 of the SLC12A6 gene, results from a C to T substitution at nucleotide position 3223. The arginine at codon 1075 is replaced by cysteine, an amino acid with highly dissimilar properties. This amino acid position is conserved. In addition, the in silico prediction for this alteration is inconclusive. Based on the available evidence, the clinical significance of this variant remains unclear.

Revvity Omics, Revvity
Classification: Uncertain significance. Last evaluated: 2024-10-09. Review status: criteria provided, single submitter. Criteria: ACMG Guidelines, 2015. Collection method: clinical testing. Allele origin: germline.

Natera, Inc.
Classification: Uncertain significance for Andermann syndrome. Last evaluated: 2025-01-31. Review status: no assertion criteria provided. Collection method: clinical testing. Allele origin: germline. Not counted in ClinVar's aggregate classification.